The following is an entry in ClinVar:

ClinVar aggregate classification (germline): Uncertain significance (1 of 4 stars; one submission).

Allele frequency attached by ClinVar (database versions not stated): gnomAD exomes 0.00001; TOPMed 0.00001.
gnomAD v4.1: 8 of 1,536,146 alleles (0.00052%); highest among the groups gnomAD compares: Non-Finnish European, 0.00062%; no homozygotes.

Submission:

GeneDx
Classification: Uncertain significance. Last evaluated: 2021-06-28. Review status: criteria provided, single submitter. Criteria: GeneDx Variant Classification Process June 2021. Collection method: clinical testing. Allele origin: germline. Affected: yes.
Comment: Not observed at significant frequency in large population cohorts (Lek et al., 2016); In silico analysis supports that this missense variant does not alter protein structure/function; Has not been previously published as pathogenic or benign to our knowledge; This variant is associated with the following publications: (PMID: 27535533)

NM_152743.4(BRAT1):c.764C>T (p.Ala255Val)

Gene: BRAT1 (BRCA1 associated ATM activator 1; minus strand). Cytogenetic location: 7p22.3.
Variant type: single nucleotide variant.
Coding change: c.764C>T on transcript NM_152743.4 (MANE Select); coding-DNA position 764, C replaced by T.
Protein change: p.Ala255Val; replaces alanine 255 with valine.
Molecular consequence: missense variant. On other transcripts: non-coding transcript variant (1).
Genome position (GRCh38, 1-based): chr7:2,543,629, G>A on the plus strand (C>T on the coding strand, the complement: BRAT1 is on the minus strand). VCF-style: chr7-2543629-G-A. GRCh37 (hg19) VCF-style: chr7-2583263-G-A.
Other names: c.764C>T, p.Ala255Val (NM_001350626.2); c.239C>T, p.Ala80Val (NM_001350627.2); short protein forms A255V, A80V.
Identifiers: ClinVar variation 1331106 (VCV001331106.2), dbSNP rs1779355816, ClinGen allele CA366631831.